The following is an entry in ClinVar:

NM_017654.4(SAMD9):c.752A>G (p.Lys251Arg)

Gene: SAMD9 (sterile alpha motif domain containing 9; minus strand). Cytogenetic location: 7q21.2.
Variant type: single nucleotide variant.
Coding change: c.752A>G on transcript NM_017654.4 (MANE Select); coding-DNA position 752, A replaced by G.
Protein change: p.Lys251Arg; replaces lysine 251 with arginine.
Molecular consequence: missense variant.
Genome position (GRCh38, 1-based): chr7:93,105,346, T>C on the plus strand (A>G on the coding strand, the complement: SAMD9 is on the minus strand). VCF-style: chr7-93105346-T-C. GRCh37 (hg19) VCF-style: chr7-92734659-T-C.
Other names: c.752A>G, p.Lys251Arg (NM_001193307.2); short protein forms K251R.
Identifiers: ClinVar variation 2100218 (VCV002100218.4), dbSNP rs2535362084, ClinGen allele CA368203932.

ClinVar aggregate classification (germline): Uncertain significance (1 of 4 stars; one submission).

Allele frequency attached by ClinVar (database versions not stated): gnomAD exomes below 0.00001.
gnomAD v4.1: 2 of 1,613,994 alleles (0.00012%); highest among the groups gnomAD compares: Non-Finnish European, 0.00017%; no homozygotes.

Submission:

Labcorp Genetics (formerly Invitae), Labcorp
Classification: Uncertain significance. Last evaluated: 2022-02-20. Review status: criteria provided, single submitter. Criteria: Invitae Variant Classification Sherloc (09022015). Collection method: clinical testing. Allele origin: germline.
Comment: In summary, the available evidence is currently insufficient to determine the role of this variant in disease. Therefore, it has been classified as a Variant of Uncertain Significance. Algorithms developed to predict the effect of missense changes on protein structure and function output the following: SIFT: "Tolerated"; PolyPhen-2: "Benign"; Align-GVGD: "Class C0". The arginine amino acid residue is found in multiple mammalian species, which suggests that this missense change does not adversely affect protein function. This variant has not been reported in the literature in individuals affected with SAMD9-related conditions. This variant is not present in population databases (gnomAD no frequency). This sequence change replaces lysine, which is basic and polar, with arginine, which is basic and polar, at codon 251 of the SAMD9 protein (p.Lys251Arg).